The following is an entry in ClinVar:

ClinVar aggregate classification (germline): Uncertain significance (1 of 4 stars; one submission).

Conditions:
Retinoblastoma (RB1). Also called: RETINOBLASTOMA, SOMATIC. Identifiers: Orphanet 790, MedGen C0035335, MeSH D012175, MONDO:0008380, OMIM 180200, HP:0009919. Disease mechanism: loss of function. Inheritance: Both sporadic and heritable forms are tested..

Submission:

Labcorp Genetics (formerly Invitae), Labcorp
Classification: Uncertain significance for Retinoblastoma. Last evaluated: 2022-05-19. Review status: criteria provided, single submitter. Criteria: Invitae Variant Classification Sherloc (09022015). Collection method: clinical testing. Allele origin: germline.
Comment: In summary, the available evidence is currently insufficient to determine the role of this variant in disease. Therefore, it has been classified as a Variant of Uncertain Significance. Algorithms developed to predict the effect of missense changes on protein structure and function output the following: SIFT: "Tolerated"; PolyPhen-2: "Benign"; Align-GVGD: "Class C0". The threonine amino acid residue is found in multiple mammalian species, which suggests that this missense change does not adversely affect protein function. This variant has not been reported in the literature in individuals affected with RB1-related conditions. This variant is not present in population databases (gnomAD no frequency). This sequence change replaces isoleucine, which is neutral and non-polar, with threonine, which is neutral and polar, at codon 481 of the RB1 protein (p.Ile481Thr).

NM_000321.3(RB1):c.1442T>C (p.Ile481Thr)

Gene: RB1 (RB transcriptional corepressor 1; plus strand). Cytogenetic location: 13q14.2.
Variant type: single nucleotide variant.
Coding change: c.1442T>C on transcript NM_000321.3 (MANE Select); coding-DNA position 1442, T replaced by C.
Protein change: p.Ile481Thr; replaces isoleucine 481 with threonine.
Molecular consequence: missense variant.
Genome position (GRCh38, 1-based): chr13:48,380,185, T>C. VCF-style: chr13-48380185-T-C. GRCh37 (hg19) VCF-style: chr13-48954321-T-C.
Other names: c.1442T>C, p.Ile481Thr (NM_001407165.1, NM_001407166.1); short protein forms I481T.
Identifiers: ClinVar variation 1996512 (VCV001996512.4), dbSNP rs2542204600, ClinGen allele CA388162804.